The following is an entry in ClinVar:

ClinVar aggregate classification (germline): Uncertain significance. Review status: criteria provided, multiple submitters, no conflicts (2 of 4 stars). 5 submissions from 5 submitters: Uncertain significance (5). Last evaluated 2025-11-10.

Conditions:
Intrauterine growth retardation, metaphyseal dysplasia, adrenal hypoplasia congenita, genital anomalies, and immunodeficiency. Also called: IMAGEI SYNDROME. Identifiers: MedGen C5193036, MONDO:0032684, OMIM 618336.
Facial dysmorphism-immunodeficiency-livedo-short stature syndrome. Also called: FILS syndrome; Facial dysmorphism, immunodeficiency, livedo, and short stature. Identifiers: Orphanet 352712, MedGen C3554576, MONDO:0014058, OMIM 615139.
Colorectal cancer, susceptibility to, 12 (CRCS12). Also called: COLORECTAL CANCER, SUSCEPTIBILITY TO, ON CHROMOSOME 12q24. Identifiers: Orphanet 220460, MedGen C3554460, MONDO:0014038, OMIM 615083.
Hereditary cancer-predisposing syndrome. Also called: Neoplastic Syndromes, Hereditary; Tumor predisposition; Hereditary Cancer Syndrome; Hereditary neoplastic syndrome. Identifiers: Orphanet 140162, MedGen C0027672, MeSH D009386, MONDO:0015356.

Allele frequency attached by ClinVar (database versions not stated): gnomAD exomes below 0.00001 and 0.00001; ExAC 0.00001; gnomAD 0.00001; TOPMed 0.00001.
gnomAD v4.1: 4 of 1,613,622 alleles (0.00025%); highest among the groups gnomAD compares: Non-Finnish European, 0.00034%; no homozygotes.

Submissions (5):

Labcorp Genetics (formerly Invitae), Labcorp
Classification: Uncertain significance. Last evaluated: 2025-11-10. Review status: criteria provided, single submitter. Criteria: Invitae Variant Classification Sherloc (09022015). Collection method: clinical testing. Allele origin: germline.
Comment: This sequence change replaces alanine, which is neutral and non-polar, with threonine, which is neutral and polar, at codon 1597 of the POLE protein (p.Ala1597Thr). This variant is present in population databases (rs752184541, gnomAD 0.0009%). This variant has not been reported in the literature in individuals affected with POLE-related conditions. ClinVar contains an entry for this variant (Variation ID: 405639). Invitae Evidence Modeling of protein sequence and biophysical properties (such as structural, functional, and spatial information, amino acid conservation, physicochemical variation, residue mobility, and thermodynamic stability) indicates that this missense variant is not expected to disrupt POLE protein function with a negative predictive value of 80%. In summary, the available evidence is currently insufficient to determine the role of this variant in disease. Therefore, it has been classified as a Variant of Uncertain Significance.

Ambry Genetics
Classification: Uncertain significance for Hereditary cancer-predisposing syndrome. Last evaluated: 2025-04-09. Review status: criteria provided, single submitter. Criteria: Ambry Variant Classification Scheme 2023. Collection method: clinical testing. Allele origin: germline.
Comment: The p.A1597T variant (also known as c.4789G>A), located in coding exon 37 of the POLE gene, results from a G to A substitution at nucleotide position 4789. The alanine at codon 1597 is replaced by threonine, an amino acid with similar properties. This amino acid position is not well conserved in available vertebrate species. In addition, this alteration is predicted to be tolerated by in silico analysis. Based on the available evidence, the clinical significance of this variant remains unclear.

Center for Genomic Medicine, Rigshospitalet, Copenhagen University Hospital
Classification: Uncertain significance. Last evaluated: 2025-03-04. Review status: criteria provided, single submitter. Criteria: ACMG Guidelines, 2015. Collection method: clinical testing. Allele origin: germline.

Fulgent Genetics
Classification: Uncertain significance for Colorectal cancer, susceptibility to, 12; Facial dysmorphism-immunodeficiency-livedo-short stature syndrome; Intrauterine growth retardation, metaphyseal dysplasia, adrenal hypoplasia congenita, genital anomalies, and immunodeficiency. Last evaluated: 2024-05-29. Review status: criteria provided, single submitter. Criteria: ACMG Guidelines, 2015. Collection method: clinical testing. Allele origin: germline.

Blueprint Genetics
Classification: Uncertain significance. Last evaluated: 2023-12-28. Review status: criteria provided, single submitter. Criteria: ACMG Guidelines, 2015. Collection method: clinical testing. Allele origin: germline.

NM_006231.4(POLE):c.4789G>A (p.Ala1597Thr)

Gene: POLE (DNA polymerase epsilon, catalytic subunit; minus strand). Cytogenetic location: 12q24.33.
Variant type: single nucleotide variant.
Coding change: c.4789G>A on transcript NM_006231.4 (MANE Select); coding-DNA position 4789, G replaced by A.
Protein change: p.Ala1597Thr; replaces alanine 1597 with threonine.
Molecular consequence: missense variant.
Genome position (GRCh38, 1-based): chr12:132,642,669, C>T on the plus strand (G>A on the coding strand, the complement: POLE is on the minus strand). VCF-style: chr12-132642669-C-T. GRCh37 (hg19) VCF-style: chr12-133219255-C-T.
Other names: c.4789G>A (NM_006231.2); short protein forms A1597T.
Identifiers: ClinVar variation 405639 (VCV000405639.17), dbSNP rs752184541, ClinGen allele CA6892712.